The following is an entry in ClinVar:

NM_199242.3(UNC13D):c.887C>T (p.Pro296Leu)

Gene: UNC13D (unc-13 homolog D; minus strand). Cytogenetic location: 17q25.1.
Variant type: single nucleotide variant.
Coding change: c.887C>T on transcript NM_199242.3 (MANE Select); coding-DNA position 887, C replaced by T.
Protein change: p.Pro296Leu; replaces proline 296 with leucine.
Molecular consequence: missense variant.
Genome position (GRCh38, 1-based): chr17:75,840,082, G>A on the plus strand (C>T on the coding strand, the complement: UNC13D is on the minus strand). VCF-style: chr17-75840082-G-A. GRCh37 (hg19) VCF-style: chr17-73836163-G-A.
Other names: p.Pro296Leu; short protein forms P296L.
Identifiers: ClinVar variation 864157 (VCV000864157.16), dbSNP rs541737648, ClinGen allele CA8773219.

ClinVar aggregate classification (germline): Uncertain significance. Review status: criteria provided, multiple submitters, no conflicts (2 of 4 stars). 7 submissions from 7 submitters: Uncertain significance (7). Last evaluated 2025-08-28.

Conditions:
Autoinflammatory syndrome. Identifiers: Orphanet 93665, MedGen C3890737, MONDO:0019751.
UNC13D-related disorder. Also called: UNC13D-related condition.
Familial hemophagocytic lymphohistiocytosis 3 (FHL3). Also called: UNC13D-Related Familial Hemophagocytic Lymphohistiocytosis (UNC13D-fHLH). Identifiers: Orphanet 540, MedGen C1837174, MONDO:0012146, OMIM 608898.

Allele frequency attached by ClinVar (database versions not stated): ExAC 0.00015; TOPMed 0.00015; gnomAD 0.00018 and 0.00019; gnomAD exomes 0.00019 and 0.00023; 1000 Genomes Project 0.00020; 1000 Genomes Project 30x 0.00031.
gnomAD v4.1: 361 of 1,613,040 alleles (0.022%); highest among the groups gnomAD compares: Non-Finnish European, 0.028%; no homozygotes.

Submissions (7):

PreventionGenetics, part of Exact Sciences
Classification: Uncertain significance for UNC13D-related condition. Last evaluated: 2025-08-28. Review status: criteria provided, single submitter. Criteria: ACMG Guidelines, 2015. Collection method: clinical testing. Allele origin: germline.
Comment: The UNC13D c.887C>T variant is predicted to result in the amino acid substitution p.Pro296Leu. This variant has been reported in the compound heterozygous state in an individual with hemophagocytic lymphohistiocytosis (Henry et al. 2023. PubMed ID: 37288985). This variant is reported in 0.037% of alleles in individuals of European (Finnish) descent in gnomAD. At this time, the clinical significance of this variant is uncertain due to the absence of conclusive functional and genetic evidence.

Center for Genomic Medicine, Rigshospitalet, Copenhagen University Hospital
Classification: Uncertain significance. Last evaluated: 2025-03-04. Review status: criteria provided, single submitter. Criteria: ACMG Guidelines, 2015. Collection method: clinical testing. Allele origin: germline.

Blueprint Genetics
Classification: Uncertain significance. Last evaluated: 2024-11-25. Review status: criteria provided, single submitter. Criteria: ACMG Guidelines, 2015. Collection method: clinical testing. Allele origin: germline.

Mayo Clinic Laboratories, Mayo Clinic
Classification: Uncertain significance. Last evaluated: 2024-11-06. Review status: criteria provided, single submitter. Criteria: ACMG Guidelines, 2015. Collection method: clinical testing. Allele origin: germline. Observed: 2 variant alleles.
Comment: BP4, PM2_supporting, PM3_supporting

Labcorp Genetics (formerly Invitae), Labcorp
Classification: Uncertain significance for Familial hemophagocytic lymphohistiocytosis 3. Last evaluated: 2022-11-01. Review status: criteria provided, single submitter. Criteria: Invitae Variant Classification Sherloc (09022015). Collection method: clinical testing. Allele origin: germline.
Comment: This sequence change replaces proline, which is neutral and non-polar, with leucine, which is neutral and non-polar, at codon 296 of the UNC13D protein (p.Pro296Leu). This variant is present in population databases (rs541737648, gnomAD 0.04%). This variant has not been reported in the literature in individuals affected with UNC13D-related conditions. ClinVar contains an entry for this variant (Variation ID: 864157). Advanced modeling of protein sequence and biophysical properties (such as structural, functional, and spatial information, amino acid conservation, physicochemical variation, residue mobility, and thermodynamic stability) performed at Invitae indicates that this missense variant is not expected to disrupt UNC13D protein function. In summary, the available evidence is currently insufficient to determine the role of this variant in disease. Therefore, it has been classified as a Variant of Uncertain Significance.

Illumina Laboratory Services, Illumina
Classification: Uncertain significance for Familial hemophagocytic lymphohistiocytosis 3. Last evaluated: 2018-01-13. Review status: criteria provided, single submitter. Criteria: ICSL Variant Classification Criteria 13 December 2019. Collection method: clinical testing. Allele origin: germline.

Genome Diagnostics Laboratory, The Hospital for Sick Children
Classification: Uncertain significance for Autoinflammatory syndrome. Last evaluated: 2016-12-12. Review status: criteria provided, single submitter. Criteria: ACMG Guidelines, 2015. Collection method: clinical testing. Allele origin: germline. Affected: yes.

Literature cited by the submitters: PubMed 37288985 (cited by Mayo Clinic Laboratories, Mayo Clinic).